The following is an entry in ClinVar:

ClinVar aggregate classification (germline): Uncertain significance (1 of 4 stars; one submission).

gnomAD v4.1: 2 of 1,612,324 alleles (0.00012%); highest among the groups gnomAD compares: Non-Finnish European, 0.00017%; no homozygotes.

Submission:

Labcorp Genetics (formerly Invitae), Labcorp
Classification: Uncertain significance. Last evaluated: 2024-12-05. Review status: criteria provided, single submitter. Criteria: Invitae Variant Classification Sherloc (09022015). Collection method: clinical testing. Allele origin: germline.
Comment: This sequence change replaces threonine, which is neutral and polar, with arginine, which is basic and polar, at codon 371 of the IL6ST protein (p.Thr371Arg). This variant is present in population databases (rs756671047, gnomAD 0.0009%). This variant has not been reported in the literature in individuals affected with IL6ST-related conditions. An algorithm developed to predict the effect of missense changes on protein structure and function (PolyPhen-2) suggests that this variant is likely to be tolerated. In summary, the available evidence is currently insufficient to determine the role of this variant in disease. Therefore, it has been classified as a Variant of Uncertain Significance.

NM_002184.4(IL6ST):c.1112C>G (p.Thr371Arg)

Gene: IL6ST (interleukin 6 cytokine family signal transducer; minus strand). Cytogenetic location: 5q11.2.
Variant type: single nucleotide variant.
Coding change: c.1112C>G on transcript NM_002184.4 (MANE Select); coding-DNA position 1112, C replaced by G.
Protein change: p.Thr371Arg; replaces threonine 371 with arginine.
Molecular consequence: missense variant. On other transcripts: 3 prime UTR variant (1), non-coding transcript variant (2).
Genome position (GRCh38, 1-based): chr5:55,956,180, G>C on the plus strand (C>G on the coding strand, the complement: IL6ST is on the minus strand). VCF-style: chr5-55956180-G-C. GRCh37 (hg19) VCF-style: chr5-55252008-G-C.
Other names: c.1112C>G, p.Thr371Arg (NM_001190981.2, NM_001364275.2); c.902C>G, p.Thr301Arg (NM_001364276.2); c.245C>G, p.Thr82Arg (NM_001364277.2); c.209C>G, p.Thr70Arg (NM_001364278.2); c.116C>G, p.Thr39Arg (NM_001364279.2); c.*39C>G (NM_175767.3); short protein forms T301R, T371R, T39R, T70R, T82R.
Identifiers: ClinVar variation 3683773 (VCV003683773.2).